The following is an entry in ClinVar:

NM_001184880.2(PCDH19):c.787A>C (p.Ser263Arg)

Gene: PCDH19 (protocadherin 19; minus strand). Cytogenetic location: Xq22.1.
Variant type: single nucleotide variant.
Coding change: c.787A>C on transcript NM_001184880.2 (MANE Select); coding-DNA position 787, A replaced by C.
Protein change: p.Ser263Arg; replaces serine 263 with arginine.
Molecular consequence: missense variant.
Genome position (GRCh38, 1-based): chrX:100,407,811, T>G on the plus strand (A>C on the coding strand, the complement: PCDH19 is on the minus strand). VCF-style: chrX-100407811-T-G. GRCh37 (hg19) VCF-style: chrX-99662809-T-G.
Other names: c.787A>C, p.Ser263Arg (NM_001105243.2, NM_020766.3); short protein forms S263R.
Identifiers: ClinVar variation 1716381 (VCV001716381.6), dbSNP rs2520989851, ClinGen allele CA414008131.

ClinVar aggregate classification (germline): Uncertain significance (1 of 4 stars; one submission).

Conditions:
Developmental and epileptic encephalopathy, 9 (DEE9). Also called: Early infantile epileptic encephalopathy 9; EPILEPSY, FEMALE-RESTRICTED, WITH MENTAL RETARDATION; JUBERG-HELLMAN SYNDROME; PCDH19-Related X-Linked Female-Limited Epilepsy with Mental Retardation. Identifiers: Orphanet 101039, Orphanet 2076, MedGen C1848137, MONDO:0010246, OMIM 300088. Disease mechanism: loss of function.

Submission:

Labcorp Genetics (formerly Invitae), Labcorp
Classification: Uncertain significance for Developmental and epileptic encephalopathy, 9. Last evaluated: 2024-02-24. Review status: criteria provided, single submitter. Criteria: Invitae Variant Classification Sherloc (09022015). Collection method: clinical testing. Allele origin: germline.
Comment: This sequence change replaces serine, which is neutral and polar, with arginine, which is basic and polar, at codon 263 of the PCDH19 protein (p.Ser263Arg). This variant is not present in population databases (gnomAD no frequency). This variant has not been reported in the literature in individuals affected with PCDH19-related conditions. ClinVar contains an entry for this variant (Variation ID: 1716381). Advanced modeling of protein sequence and biophysical properties (such as structural, functional, and spatial information, amino acid conservation, physicochemical variation, residue mobility, and thermodynamic stability) performed at Invitae indicates that this missense variant is not expected to disrupt PCDH19 protein function with a negative predictive value of 95%. In summary, the available evidence is currently insufficient to determine the role of this variant in disease. Therefore, it has been classified as a Variant of Uncertain Significance.